The following is an entry in ClinVar:

NM_001388492.1(HTT):c.2928C>T (p.Ser976=)

Gene: HTT (huntingtin; plus strand). Cytogenetic location: 4p16.3.
Variant type: single nucleotide variant.
Coding change: c.2928C>T on transcript NM_001388492.1 (MANE Select); coding-DNA position 2928, C replaced by T.
Protein change: p.Ser976=; no amino-acid change (serine 976 retained).
Molecular consequence: synonymous variant.
Genome position (GRCh38, 1-based): chr4:3,140,639, C>T. VCF-style: chr4-3140639-C-T. GRCh37 (hg19) VCF-style: chr4-3142366-C-T.
Other names: c.2934C>T, p.Ser978= (NM_002111.8).
Identifiers: ClinVar variation 4084627 (VCV004084627.8).
Genomic context (GRCh38, chr4:3,140,639, plus strand): 5'-TCAAAGCAGTGTTTACCTGAAACTTCTCATGCATGAGACGCAGCCTCCATCTCATTTCTC[C>T]GTCAGCACAATAACCAGGTATGCTGACCCAGTGGCATCTTCACATTGTCGGGAAAATGCC-3'
Protein context (NP_001375421.1, residues 966-986): MHETQPPSHF[Ser976=]VSTITRIYRG

ClinVar aggregate classification (germline): Likely benign (1 of 4 stars; one submission).

gnomAD v4.1: 14 of 1,613,946 alleles (0.00087%); highest among the groups gnomAD compares: African/African-American, 0.0027%; no homozygotes.

Submission:

CeGaT Center for Human Genetics Tuebingen
Classification: Likely benign. Last evaluated: 2025-07-01. Review status: criteria provided, single submitter. Criteria: CeGaT Center For Human Genetics Tuebingen Variant Classification Criteria Version 2. Collection method: clinical testing. Allele origin: germline. Affected: yes. Observed: 1 variant allele.
Comment: HTT: BP4, BP7